The following is an entry in ClinVar:

ClinVar aggregate classification (germline): Pathogenic. Review status: criteria provided, multiple submitters, no conflicts (2 of 4 stars). 2 submissions from 2 submitters: Pathogenic (2). Last evaluated 2026-03-22.

Conditions:
Focal segmental glomerulosclerosis (FSGS). Also called: Glomerulosclerosis, focal; Focal sclerosis with hyalinosis. Identifiers: MedGen C0017668, MONDO:0100313, HP:0000097. Disease mechanism: loss of function.

Submissions (2):

Molecular Lab, University of Sulaimaniyah
Classification: Pathogenic for Focal segmental glomerulosclerosis. Last evaluated: 2026-03-22. Review status: criteria provided, single submitter. Criteria: ACMG Guidelines, 2015. Collection method: clinical testing. Allele origin: germline. Inheritance: Autosomal unknown. Affected: yes. Observed: 1 variant allele, 1 heterozygote.
Comment: This variant was classified using the ACMG/AMP 2015 framework (PMID:25741868). PVS1 was applied because COL4A3 c.1671_1672insG (p.Leu558AlafsTer26) is a predicted loss-of-function frameshift variant expected to introduce a premature termination codon. PM2 was considered because the variant is absent or not reported in population databases. As internal case-level support, the variant was observed in 1 affected individual(s) from a biopsy-proven focal segmental glomerulosclerosis cohort, including 1 heterozygote(s). Overall, the submitted evidence supported a Pathogenic classification.

Labcorp Genetics (formerly Invitae), Labcorp
Classification: Pathogenic. Last evaluated: 2021-06-01. Review status: criteria provided, single submitter. Criteria: Invitae Variant Classification Sherloc (09022015). Collection method: clinical testing. Allele origin: germline.
Comment: This sequence change creates a premature translational stop signal (p.Leu558Alafs*26) in the COL4A3 gene. It is expected to result in an absent or disrupted protein product. Loss-of-function variants in COL4A3 are known to be pathogenic (PMID: 8956999, 24854265, 26809805, 27281700). This variant is not present in population databases (ExAC no frequency). This variant has not been reported in the literature in individuals with COL4A3-related conditions. For these reasons, this variant has been classified as Pathogenic.

Literature cited by the submitters: PubMed 8956999 (cited by Labcorp Genetics (formerly Invitae), Labcorp); PubMed 24854265 (cited by Labcorp Genetics (formerly Invitae), Labcorp); PubMed 26809805 (cited by Labcorp Genetics (formerly Invitae), Labcorp); PubMed 27281700 (cited by Labcorp Genetics (formerly Invitae), Labcorp).

NM_000091.5(COL4A3):c.1671dup (p.Leu558fs)

Genes: COL4A3 (collagen type IV alpha 3 chain; plus strand), MFF-DT (MFF divergent transcript; minus strand). Cytogenetic location: 2q36.3.
Variant type: Duplication.
Coding change: c.1671dup on transcript NM_000091.5 (MANE Select); coding-DNA position 1671, one base duplicated (G; older notation c.1671dupG).
Protein change: p.Leu558fs; shifts the reading frame from leucine 558.
Molecular consequence: frameshift variant.
Genome position (GRCh38, 1-based): chr2:227,270,865, G duplicated; the last of 4 consecutive G bases (chr2:227,270,862-227,270,865); duplicating any one gives the same sequence. VCF-style (leftmost placement, unchanged base first): chr2-227270861-C-CG. GRCh37 (hg19) VCF-style: chr2-228135577-C-CG.
Other names: c.1671_1672insG (NM_000091.5); short protein forms L558fs.
Identifiers: ClinVar variation 1449282 (VCV001449282.6), dbSNP rs2125991253, ClinGen allele CA2573135461.